The following is an entry in ClinVar:

NM_015512.5(DNAH1):c.694G>A (p.Glu232Lys)

Gene: DNAH1 (dynein axonemal heavy chain 1; plus strand). Cytogenetic location: 3p21.1.
Variant type: single nucleotide variant.
Coding change: c.694G>A on transcript NM_015512.5 (MANE Select); coding-DNA position 694, G replaced by A.
Protein change: p.Glu232Lys; replaces glutamic acid 232 with lysine.
Molecular consequence: missense variant.
Genome position (GRCh38, 1-based): chr3:52,326,847, G>A. VCF-style: chr3-52326847-G-A. GRCh37 (hg19) VCF-style: chr3-52360863-G-A.
Other names: short protein forms E232K.
Identifiers: ClinVar variation 1399274 (VCV001399274.9), dbSNP rs1701363470, ClinGen allele CA353089251.

ClinVar aggregate classification (germline): Uncertain significance. Review status: criteria provided, multiple submitters, no conflicts (2 of 4 stars). 2 submissions from 2 submitters: Uncertain significance (2). Last evaluated 2023-10-27.

Conditions:
Spermatogenic failure 18. Identifiers: MedGen C4539783, MONDO:0054615, OMIM 617576.
Ciliary dyskinesia, primary, 37 (CILD37). Also called: CILIARY DYSKINESIA, PRIMARY, 37, WITH OR WITHOUT SITUS INVERSUS. Identifiers: MedGen C4539798, MONDO:0033204, OMIM 617577.

Allele frequency attached by ClinVar (database versions not stated): gnomAD exomes below 0.00001; TOPMed below 0.00001.
gnomAD v4.1: 2 of 1,613,336 alleles (0.00012%); highest among the groups gnomAD compares: Middle Eastern, 0.017%; no homozygotes.

Submissions (2):

Blueprint Genetics
Classification: Uncertain significance. Last evaluated: 2023-10-27. Review status: criteria provided, single submitter. Criteria: ACMG Guidelines, 2015. Collection method: clinical testing. Allele origin: germline.

Labcorp Genetics (formerly Invitae), Labcorp
Classification: Uncertain significance for Ciliary dyskinesia, primary, 37; Spermatogenic failure 18. Last evaluated: 2022-02-03. Review status: criteria provided, single submitter. Criteria: Invitae Variant Classification Sherloc (09022015). Collection method: clinical testing. Allele origin: germline.
Comment: This variant is not present in population databases (gnomAD no frequency). This sequence change replaces glutamic acid, which is acidic and polar, with lysine, which is basic and polar, at codon 232 of the DNAH1 protein (p.Glu232Lys). This variant has not been reported in the literature in individuals affected with DNAH1-related conditions. In summary, the available evidence is currently insufficient to determine the role of this variant in disease. Therefore, it has been classified as a Variant of Uncertain Significance. Algorithms developed to predict the effect of missense changes on protein structure and function are either unavailable or do not agree on the potential impact of this missense change (SIFT: "Deleterious"; PolyPhen-2: "Benign"; Align-GVGD: "Class C0").